The following is an entry in ClinVar:

NM_004370.6(COL12A1):c.7282G>T (p.Val2428Leu)

Genes: COL12A1 (collagen type XII alpha 1 chain; minus strand), LOC126859712 (MED14-independent group 3 enhancer GRCh37_chr6:75828643-75829842; plus strand). Cytogenetic location: 6q13.
Variant type: single nucleotide variant.
Coding change: c.7282G>T on transcript NM_004370.6 (MANE Select); coding-DNA position 7282, G replaced by T.
Protein change: p.Val2428Leu; replaces valine 2428 with leucine.
Molecular consequence: missense variant.
Genome position (GRCh38, 1-based): chr6:75,119,115, C>A on the plus strand (G>T on the coding strand, the complement: COL12A1 is on the minus strand). VCF-style: chr6-75119115-C-A. GRCh37 (hg19) VCF-style: chr6-75828831-C-A.
Other names: c.7282G>T, p.Val2428Leu (NM_001424113.1); c.7261G>T, p.Val2421Leu (NM_001424114.1); c.7009G>T, p.Val2337Leu (NM_001424115.1); c.3790G>T, p.Val1264Leu (NM_001424116.1, NM_080645.3); short protein forms V2337L, V2428L, V2421L, V1264L.
Identifiers: ClinVar variation 2927787 (VCV002927787.3), dbSNP rs1233148302, ClinGen allele CA364747744.

ClinVar aggregate classification (germline): Uncertain significance (1 of 4 stars; one submission).

Conditions:
Ullrich congenital muscular dystrophy 2 (UCMD2). Identifiers: Orphanet 75840, MedGen C4225314, MONDO:0014654, OMIM 616470.
Bethlem myopathy 2 (BTHLM2). Identifiers: Orphanet 536516, Orphanet 610, MedGen C4225313, MONDO:0034022, OMIM 616471.

Allele frequency attached by ClinVar (database versions not stated): TOPMed below 0.00001.
gnomAD v4.1: 1 of 1,613,898 alleles (0.000062%); highest among the groups gnomAD compares: Non-Finnish European, 0.000085%; no homozygotes.

Submission:

Labcorp Genetics (formerly Invitae), Labcorp
Classification: Uncertain significance for Bethlem myopathy 2; Ullrich congenital muscular dystrophy 2. Last evaluated: 2024-06-19. Review status: criteria provided, single submitter. Criteria: Invitae Variant Classification Sherloc (09022015). Collection method: clinical testing. Allele origin: germline.
Comment: This sequence change replaces valine, which is neutral and non-polar, with leucine, which is neutral and non-polar, at codon 2428 of the COL12A1 protein (p.Val2428Leu). This variant is not present in population databases (gnomAD no frequency). This variant has not been reported in the literature in individuals affected with COL12A1-related conditions. Advanced modeling of protein sequence and biophysical properties (such as structural, functional, and spatial information, amino acid conservation, physicochemical variation, residue mobility, and thermodynamic stability) performed at Invitae indicates that this missense variant is not expected to disrupt COL12A1 protein function with a negative predictive value of 80%. In summary, the available evidence is currently insufficient to determine the role of this variant in disease. Therefore, it has been classified as a Variant of Uncertain Significance.